The following is an entry in ClinVar:

NM_003072.5(SMARCA4):c.1662G>A (p.Leu554=)

Gene: SMARCA4 (SWI/SNF related BAF chromatin remodeling complex subunit ATPase 4; plus strand). Cytogenetic location: 19p13.2.
Variant type: single nucleotide variant.
Coding change: c.1662G>A on transcript NM_003072.5 (MANE Select); coding-DNA position 1662, G replaced by A.
Protein change: p.Leu554=; no amino-acid change (leucine 554 retained).
Molecular consequence: synonymous variant. On other transcripts: non-coding transcript variant (1).
Genome position (GRCh38, 1-based): chr19:10,996,281, G>A. VCF-style: chr19-10996281-G-A. GRCh37 (hg19) VCF-style: chr19-11106957-G-A.
Other names: c.1662G>A, p.Leu554= (NM_001128844.3, NM_001128845.2, NM_001128846.2 and 4 more transcripts).
Identifiers: ClinVar variation 743734 (VCV000743734.17), dbSNP rs1206658090, ClinGen allele CA505744098.

ClinVar aggregate classification (germline): Likely benign. Review status: criteria provided, multiple submitters, no conflicts (2 of 4 stars). 3 submissions from 3 submitters: Likely benign (3). Last evaluated 2026-05-01.

Conditions:
Rhabdoid tumor predisposition syndrome 2 (RTPS2). Identifiers: Orphanet 231108, Orphanet 69077, MedGen C2750074, MONDO:0013224, OMIM 613325.
Hereditary cancer-predisposing syndrome. Also called: Hereditary Cancer Syndrome; Neoplastic Syndromes, Hereditary; Hereditary neoplastic syndrome; Tumor predisposition. Identifiers: Orphanet 140162, MedGen C0027672, MeSH D009386, MONDO:0015356.

Allele frequency attached by ClinVar (database versions not stated): gnomAD exomes below 0.00001 and 0.00001.
gnomAD v4.1: 8 of 1,614,244 alleles (0.0005%); highest among the groups gnomAD compares: Middle Eastern, 0.12%; no homozygotes.

Submissions (3):

CeGaT Center for Human Genetics Tuebingen
Classification: Likely benign. Last evaluated: 2026-05-01. Review status: criteria provided, single submitter. Criteria: CeGaT Center For Human Genetics Tuebingen Variant Classification Criteria Version 2. Collection method: clinical testing. Allele origin: germline. Affected: yes. Observed: 1 variant allele.
Comment: SMARCA4: BP4, BP7

Labcorp Genetics (formerly Invitae), Labcorp
Classification: Likely benign for Rhabdoid tumor predisposition syndrome 2. Last evaluated: 2025-10-29. Review status: criteria provided, single submitter. Criteria: Invitae Variant Classification Sherloc (09022015). Collection method: clinical testing. Allele origin: germline.

Ambry Genetics
Classification: Likely benign for Hereditary cancer-predisposing syndrome. Last evaluated: 2019-09-26. Review status: criteria provided, single submitter. Criteria: Ambry Variant Classification Scheme 2023. Collection method: clinical testing. Allele origin: germline.